The following is an entry in ClinVar:

NM_139057.4(ADAMTS17):c.*429A>C

Gene: ADAMTS17 (ADAM metallopeptidase with thrombospondin type 1 motif 17; minus strand). Cytogenetic location: 15q26.3.
Variant type: single nucleotide variant.
Coding change: c.*429A>C on transcript NM_139057.4 (MANE Select); 429 bases downstream of the stop codon, A replaced by C.
Molecular consequence: 3 prime UTR variant.
Genome position (GRCh38, 1-based): chr15:99,973,973, T>G on the plus strand (A>C on the coding strand, the complement: ADAMTS17 is on the minus strand). VCF-style: chr15-99973973-T-G. GRCh37 (hg19) VCF-style: chr15-100514178-T-G.
Identifiers: ClinVar variation 315230 (VCV000315230.6), dbSNP rs2581346, ClinGen allele CA10636917.

ClinVar aggregate classification (germline): Benign. Review status: criteria provided, multiple submitters, no conflicts (2 of 4 stars). 2 submissions from 2 submitters: Benign (2). Last evaluated 2018-01-12.

Conditions:
Weill-Marchesani 4 syndrome, recessive. Also called: Weill-Marchesani syndrome 4. Identifiers: Orphanet 363992, MedGen C2750787, MONDO:0013176, OMIM 613195.

Allele frequency attached by ClinVar (database versions not stated): TOPMed 0.62345; 1000 Genomes Project 0.58846; 1000 Genomes Project 30x 0.59494; gnomAD exomes 0.59597.
gnomAD v4.1: 170,439 of 275,350 alleles (62%); highest among the groups gnomAD compares: Non-Finnish European, 64%; 53,705 homozygotes.

Submissions (2):

Illumina Laboratory Services, Illumina
Classification: Benign for Weill-Marchesani 4 syndrome, recessive. Last evaluated: 2018-01-12. Review status: criteria provided, single submitter. Criteria: ICSL Variant Classification Criteria 13 December 2019. Collection method: clinical testing. Allele origin: germline.
Comment: This variant was observed in the ICSL laboratory as part of a predisposition screen in an ostensibly healthy population. It had not been previously curated by ICSL or reported in the Human Gene Mutation Database (HGMD: prior to June 1st, 2018), and was therefore a candidate for classification through an automated scoring system. Utilizing variant allele frequency, disease prevalence and penetrance estimates, and inheritance mode, an automated score was calculated to assess if this variant is too frequent to cause the disease. Based on the score and internal cut-off values, a variant classified as benign is not then subjected to further curation. The score for this variant resulted in a classification of benign for this disease.

Breakthrough Genomics
Classification: Benign. Review status: criteria provided, single submitter. Criteria: ACMG Guidelines, 2015. Collection method: not provided. Allele origin: germline. Inheritance: Autosomal recessive inheritance. Affected: yes.